The following is an entry in ClinVar:

ClinVar aggregate classification (germline): Uncertain significance (1 of 4 stars; one submission).

Conditions:
Familial thoracic aortic aneurysm and aortic dissection (TAAD). Also called: Thoracic aortic aneurysms and dissections. Identifiers: Orphanet 91387, MedGen C4707243, MONDO:0019625.
Hereditary cancer-predisposing syndrome. Also called: Tumor predisposition; Neoplastic Syndromes, Hereditary; Hereditary neoplastic syndrome; Hereditary Cancer Syndrome. Identifiers: Orphanet 140162, MedGen C0027672, MeSH D009386, MONDO:0015356.

Submission:

Ambry Genetics
Classification: Uncertain significance for Hereditary cancer-predisposing syndrome; Familial thoracic aortic aneurysm and aortic dissection. Last evaluated: 2024-10-30. Review status: criteria provided, single submitter. Criteria: Ambry Variant Classification Scheme 2023. Collection method: clinical testing. Allele origin: germline.
Comment: The p.K88N variant (also known as c.264A>T), located in coding exon 2 of the SMAD4 gene, results from an A to T substitution at nucleotide position 264. The lysine at codon 88 is replaced by asparagine, an amino acid with similar properties. This amino acid position is conserved. In addition, the in silico prediction for this alteration is inconclusive. Based on the available evidence, the clinical significance of this variant remains unclear.

NM_005359.6(SMAD4):c.264A>T (p.Lys88Asn)

Gene: SMAD4 (SMAD family member 4; plus strand). Cytogenetic location: 18q21.2.
Variant type: single nucleotide variant.
Coding change: c.264A>T on transcript NM_005359.6 (MANE Select); coding-DNA position 264, A replaced by T.
Protein change: p.Lys88Asn; replaces lysine 88 with asparagine.
Molecular consequence: missense variant. On other transcripts: non-coding transcript variant (2).
Genome position (GRCh38, 1-based): chr18:51,048,700, A>T. VCF-style: chr18-51048700-A-T. GRCh37 (hg19) VCF-style: chr18-48575070-A-T.
Other names: c.264A>T, p.Lys88Asn (NM_001407041.1, NM_001407042.1, NM_001407043.1); short protein forms K88N.
Identifiers: ClinVar variation 3445876 (VCV003445876.1).